The following is an entry in ClinVar:

ClinVar aggregate classification (germline): Likely benign. Review status: criteria provided, multiple submitters, no conflicts (2 of 4 stars). 3 submissions from 3 submitters: Likely benign (3). Last evaluated 2025-05-02.

Conditions:
Tuberous sclerosis 2 (TSC2). Identifiers: Orphanet 805, MedGen C1860707, MONDO:0013199, OMIM 613254.

Allele frequency attached by ClinVar (database versions not stated): gnomAD exomes below 0.00001 and 0.00002; gnomAD 0.00001; TOPMed 0.00001; ExAC 0.00004.
gnomAD v4.1: 6 of 1,567,152 alleles (0.00038%); highest among the groups gnomAD compares: African/African-American, 0.0027%; no homozygotes.

Submissions (3):

Myriad Genetics, Inc.
Classification: Likely benign for Tuberous sclerosis 2. Last evaluated: 2025-05-02. Review status: criteria provided, single submitter. Criteria: Myriad Autosomal Dominant, Autosomal Recessive and X-Linked Classification Criteria (2023). Collection method: clinical testing. Allele origin: unknown.
Comment: This variant is considered likely benign. This variant is intronic and is not expected to impact mRNA splicing.

Labcorp Genetics (formerly Invitae), Labcorp
Classification: Likely benign for Tuberous sclerosis 2. Last evaluated: 2025-01-29. Review status: criteria provided, single submitter. Criteria: Invitae Variant Classification Sherloc (09022015). Collection method: clinical testing. Allele origin: germline.

Blueprint Genetics
Classification: Likely benign. Last evaluated: 2023-09-15. Review status: criteria provided, single submitter. Criteria: ACMG Guidelines, 2015. Collection method: clinical testing. Allele origin: germline.

NM_000548.5(TSC2):c.226-15C>T

Gene: TSC2 (TSC complex subunit 2; plus strand). Cytogenetic location: 16p13.3.
Variant type: single nucleotide variant.
Coding change: c.226-15C>T on transcript NM_000548.5 (MANE Select); 15 bases into the intron before coding-DNA position 226, C replaced by T.
Molecular consequence: intron variant.
Genome position (GRCh38, 1-based): chr16:2,053,327, C>T. VCF-style: chr16-2053327-C-T. GRCh37 (hg19) VCF-style: chr16-2103328-C-T.
Other names: c.226-15C>T (NM_001114382.3, NM_021055.3, NM_001370405.1 and 3 more transcripts); c.226-969C>T (NM_001318827.2); c.-2+2841C>T (NM_001318831.2); c.79-15C>T (NM_001318829.2); c.259-15C>T (NM_001318832.2).
Identifiers: ClinVar variation 1598154 (VCV001598154.10), dbSNP rs759316470, ClinGen allele CA037990.